The following is an entry in ClinVar:

ClinVar aggregate classification (germline): Uncertain significance. Review status: criteria provided, multiple submitters, no conflicts (2 of 4 stars). 2 submissions from 2 submitters: Uncertain significance (2). Last evaluated 2025-06-11.

Conditions:
Hereditary cancer-predisposing syndrome. Also called: Hereditary Cancer Syndrome; Neoplastic Syndromes, Hereditary; Tumor predisposition; Hereditary neoplastic syndrome. Identifiers: Orphanet 140162, MedGen C0027672, MeSH D009386, MONDO:0015356.
Hereditary nonpolyposis colorectal neoplasms. Identifiers: MedGen C0009405, MeSH D003123.

gnomAD v4.1: 1 of 1,614,108 alleles (0.000062%); highest among the groups gnomAD compares: Admixed American, 0.0017%; no homozygotes.

Submissions (2):

Labcorp Genetics (formerly Invitae), Labcorp
Classification: Uncertain significance for Hereditary nonpolyposis colorectal neoplasms. Last evaluated: 2025-06-11. Review status: criteria provided, single submitter. Criteria: Invitae Variant Classification Sherloc (09022015). Collection method: clinical testing. Allele origin: germline.
Comment: This sequence change replaces serine, which is neutral and polar, with asparagine, which is neutral and polar, at codon 220 of the PMS2 protein (p.Ser220Asn). This variant is present in population databases (rs769967916, gnomAD 0.003%). This variant has not been reported in the literature in individuals affected with PMS2-related conditions. ClinVar contains an entry for this variant (Variation ID: 480858). Invitae Evidence Modeling incorporating data from in vitro experimental studies (internal data) indicates that this missense variant is not expected to disrupt PMS2 function with a negative predictive value of 95%. In summary, the available evidence is currently insufficient to determine the role of this variant in disease. Therefore, it has been classified as a Variant of Uncertain Significance.

Ambry Genetics
Classification: Uncertain significance for Hereditary cancer-predisposing syndrome. Last evaluated: 2017-03-06. Review status: criteria provided, single submitter. Criteria: Ambry Variant Classification Scheme 2023. Collection method: clinical testing. Allele origin: germline.
Comment: The p.S220N variant (also known as c.659G>A), located in coding exon 6 of the PMS2 gene, results from a G to A substitution at nucleotide position 659. The serine at codon 220 is replaced by asparagine, an amino acid with highly similar properties. This amino acid position is not well conserved in available vertebrate species. In addition, this alteration is predicted to be tolerated by in silico analysis. Since supporting evidence is limited at this time, the clinical significance of this alteration remains unclear.

NM_000535.7(PMS2):c.659G>A (p.Ser220Asn)

Gene: PMS2 (PMS1 homolog 2, mismatch repair system component; minus strand). Cytogenetic location: 7p22.1.
Variant type: single nucleotide variant.
Coding change: c.659G>A on transcript NM_000535.7 (MANE Select); coding-DNA position 659, G replaced by A.
Protein change: p.Ser220Asn; replaces serine 220 with asparagine.
Molecular consequence: missense variant. On other transcripts: 5 prime UTR variant (2), non-coding transcript variant (1), intron variant (1).
Genome position (GRCh38, 1-based): chr7:5,999,154, C>T on the plus strand (G>A on the coding strand, the complement: PMS2 is on the minus strand). VCF-style: chr7-5999154-C-T. GRCh37 (hg19) VCF-style: chr7-6038785-C-T.
Other names: c.254G>A, p.Ser85Asn (NM_001322003.2, NM_001322004.2, NM_001322005.2 and 2 more transcripts); c.659G>A, p.Ser220Asn (NM_001322006.2, NM_001322014.2); c.341G>A, p.Ser114Asn (NM_001322007.2, NM_001322008.2); c.-275G>A (NM_001322011.2, NM_001322012.2); c.350G>A, p.Ser117Asn (NM_001322015.2); c.133-1731G>A (NM_001322013.2); short protein forms S220N, S114N, S85N, S117N.
Identifiers: ClinVar variation 480858 (VCV000480858.6), dbSNP rs769967916, ClinGen allele CA050789.